The following is an entry in ClinVar:

ClinVar aggregate classification (germline): Uncertain significance. Review status: criteria provided, multiple submitters, no conflicts (2 of 4 stars). 3 submissions from 3 submitters: Uncertain significance (3). Last evaluated 2025-12-15.

Conditions:
CEP164-related disorder. Also called: CEP164-related condition.
Nephronophthisis 15 (NPHP15). Identifiers: Orphanet 3156, MedGen C3541853, MONDO:0013917, OMIM 614845.

Submissions (3):

PreventionGenetics, part of Exact Sciences
Classification: Uncertain significance for CEP164-related condition. Last evaluated: 2025-12-15. Review status: criteria provided, single submitter. Criteria: ACMG Guidelines, 2015. Collection method: clinical testing. Allele origin: germline.
Comment: The CEP164 c.793_795delGAG variant is predicted to result in an in-frame deletion (p.Glu265del). To our knowledge, this variant has not been reported in the literature. This variant is reported in 0.0045% of alleles in individuals of European (Non-Finnish) descent in gnomAD. At this time, the clinical significance of this variant is uncertain due to the absence of conclusive functional and genetic evidence.

Fulgent Genetics
Classification: Uncertain significance for Nephronophthisis 15. Last evaluated: 2024-03-19. Review status: criteria provided, single submitter. Criteria: ACMG Guidelines, 2015. Collection method: clinical testing. Allele origin: germline.

Blueprint Genetics
Classification: Uncertain significance. Last evaluated: 2019-09-19. Review status: criteria provided, single submitter. Criteria: ACMG Guidelines, 2015. Collection method: clinical testing. Allele origin: germline.

NM_014956.5(CEP164):c.790GAG[1] (p.Glu265del)

Gene: CEP164 (centrosomal protein 164; plus strand). Cytogenetic location: 11q23.3.
Variant type: Microsatellite.
Coding change: c.790GAG[1] on transcript NM_014956.5 (MANE Select); one copy of the 3-base unit GAG starting at c.790; the reference has two copies in a row; one copy, 3 bases deleted; also written c.793_795del.
Protein change: p.Glu265del; deletes glutamic acid 265.
Genome position (GRCh38, 1-based): chr11:117,371,107-117,371,109, GAG deleted; deleting any 3 consecutive bases within chr11:117,371,104-117,371,109 gives the same sequence; the position shown is the placement nearest the transcript's 3' end. VCF-style (leftmost placement, unchanged base first): chr11-117371103-AGAG-A. GRCh37 (hg19) VCF-style: chr11-117241819-AGAG-A.
Other names: c.793_795del (NM_014956.5); c.790GAG[1], p.Glu265del (NM_001271933.2); c.793_795delGAG (NM_014956.4); short protein forms E265del.
Identifiers: ClinVar variation 3599028 (VCV003599028.3).
Genomic context (GRCh38, chr11:117,371,103, plus strand): 5'-TTTGTCTTCCTTTCTAACATGGTCTGTTGCTCCCTAGGAGTCTCTGAGAACAAGCCAGCC[AGAG>A]GAGAAGAAGGATGTTTCTCTGGATTCAGATGCTGCCGGTCCCCCTACTCCCTGCAAGCCC-3'